The following is an entry in ClinVar:

NM_153766.3(KCNJ1):c.860C>T (p.Ala287Val)

Gene: KCNJ1 (potassium inwardly rectifying channel subfamily J member 1; minus strand). Cytogenetic location: 11q24.3.
Variant type: single nucleotide variant.
Coding change: c.860C>T on transcript NM_153766.3 (MANE Select); coding-DNA position 860, C replaced by T.
Protein change: p.Ala287Val; replaces alanine 287 with valine.
Molecular consequence: missense variant.
Genome position (GRCh38, 1-based): chr11:128,839,384, G>A on the plus strand (C>T on the coding strand, the complement: KCNJ1 is on the minus strand). VCF-style: chr11-128839384-G-A. GRCh37 (hg19) VCF-style: chr11-128709279-G-A.
Other names: c.917C>T, p.Ala306Val (NM_000220.6); c.860C>T, p.Ala287Val (NM_153764.3, NM_153767.4); c.911C>T, p.Ala304Val (NM_153765.3); short protein forms A287V, A304V, A306V.
Identifiers: ClinVar variation 1053514 (VCV001053514.6), dbSNP rs747718912, ClinGen allele CA6357439.
Genomic context (GRCh38, chr11:128,839,384, plus strand): 5'-GCAAAACGGTAGCCCCAAAGCACCTCCTCTGGGACATAGGATGTCCGGACTTGGCAGGTA[G>A]CACTGGTGGACTCCACTGTGCCATCTAAAAACACCACTAATTCAAAGTCCTGCTGGAGAA-3'
Protein context (NP_722450.1, residues 277-297): FLDGTVESTS[Ala287Val]TCQVRTSYVP

ClinVar aggregate classification (germline): Uncertain significance (1 of 4 stars; one submission).

Allele frequency attached by ClinVar (database versions not stated): gnomAD exomes below 0.00001; ExAC 0.00001.
gnomAD v4.1: 1 of 1,614,188 alleles (0.000062%); highest among the groups gnomAD compares: East Asian, 0.0022%; no homozygotes.

Submission:

Labcorp Genetics (formerly Invitae), Labcorp
Classification: Uncertain significance. Last evaluated: 2021-09-01. Review status: criteria provided, single submitter. Criteria: Invitae Variant Classification Sherloc (09022015). Collection method: clinical testing. Allele origin: germline.
Comment: This sequence change replaces alanine with valine at codon 306 of the KCNJ1 protein (p.Ala306Val). The alanine residue is highly conserved and there is a small physicochemical difference between alanine and valine. This variant is present in population databases (rs747718912, ExAC 0.01%). This variant has not been reported in the literature in individuals affected with KCNJ1-related conditions. Algorithms developed to predict the effect of missense changes on protein structure and function are either unavailable or do not agree on the potential impact of this missense change (SIFT: "Tolerated"; PolyPhen-2: "Probably Damaging"; Align-GVGD: "Class C0"). Experimental studies have shown that this missense change affects KCNJ1 function (PMID: 25483285). In summary, the available evidence is currently insufficient to determine the role of this variant in disease. Therefore, it has been classified as a Variant of Uncertain Significance.

Literature cited by the submitters: PubMed 25483285.